The following is an entry in ClinVar:

NM_152617.4(RNF168):c.975_976del (p.Val327fs)

Gene: RNF168 (ring finger protein 168; minus strand). Cytogenetic location: 3q29.
Variant type: Deletion.
Coding change: c.975_976del on transcript NM_152617.4 (MANE Select); coding-DNA positions 975 to 976, 2 bases deleted (AT; older notation c.975_976delAT).
Protein change: p.Val327fs; shifts the reading frame from valine 327.
Molecular consequence: frameshift variant.
Genome position (GRCh38, 1-based): chr3:196,472,559-196,472,560, AT deleted on the plus strand (AT on the coding strand, the reverse complement: RNF168 is on the minus strand); deleting any 2 consecutive bases within chr3:196,472,559-196,472,561 gives the same sequence; the c. name uses the placement nearest the transcript's 3' end. VCF-style (leftmost placement, unchanged base first): chr3-196472558-CAT-C. GRCh37 (hg19) VCF-style: chr3-196199429-CAT-C.
Other names: short protein forms V327fs.
Identifiers: ClinVar variation 3722128 (VCV003722128.2).
Genomic context (GRCh38, chr3:196,472,558, plus strand): 5'-ATAACTGCAGTTTCTTTCGAGTAGGGAACTCTGGTTTTAGGTCGCTCGTGACTTAAGACA[CAT>C]AACTCTTTCCCATGATTGCTTGGTCTTGTTTTGACGTTTCCTTCATGGTACCATTCGGCA-3'

ClinVar aggregate classification (germline): Pathogenic (1 of 4 stars; one submission).

Submission:

Labcorp Genetics (formerly Invitae), Labcorp
Classification: Pathogenic. Last evaluated: 2024-10-03. Review status: criteria provided, single submitter. Criteria: Invitae Variant Classification Sherloc (09022015). Collection method: clinical testing. Allele origin: germline.
Comment: This sequence change creates a premature translational stop signal (p.Val327Leufs*7) in the RNF168 gene. While this is not anticipated to result in nonsense mediated decay, it is expected to disrupt the last 245 amino acid(s) of the RNF168 protein. This variant is not present in population databases (gnomAD no frequency). This variant has not been reported in the literature in individuals affected with RNF168-related conditions. This variant disrupts a region of the RNF168 protein in which other variant(s) (p.Gln442Lysfs*45) have been determined to be pathogenic (PMID: 17940005, 19203578). This suggests that this is a clinically significant region of the protein, and that variants that disrupt it are likely to be disease-causing. For these reasons, this variant has been classified as Pathogenic.

Literature cited by the submitters: PubMed 17940005; PubMed 19203578.